The following is an entry in ClinVar:

ClinVar aggregate classification (germline): Uncertain significance. Review status: criteria provided, multiple submitters, no conflicts (2 of 4 stars). 2 submissions from 2 submitters: Uncertain significance (2). Last evaluated 2024-05-13.

Conditions:
Primary ciliary dyskinesia 28. Also called: CILIARY DYSKINESIA, PRIMARY, 28, WITH OR WITHOUT SITUS INVERSUS. Identifiers: Orphanet 244, MedGen C3809706, MONDO:0014216, OMIM 615505.

Submissions (2):

Blueprint Genetics
Classification: Uncertain significance. Last evaluated: 2024-05-13. Review status: criteria provided, single submitter. Criteria: ACMG Guidelines, 2015. Collection method: clinical testing. Allele origin: germline.

Labcorp Genetics (formerly Invitae), Labcorp
Classification: Uncertain significance for Ciliary dyskinesia, primary, 28. Last evaluated: 2018-10-03. Review status: criteria provided, single submitter. Criteria: Invitae Variant Classification Sherloc (09022015). Collection method: clinical testing. Allele origin: germline.
Comment: This sequence change replaces glutamic acid with alanine at codon 730 of the SPAG1 protein (p.Glu730Ala). The glutamic acid residue is moderately conserved and there is a moderate physicochemical difference between glutamic acid and alanine. This variant is not present in population databases (ExAC no frequency). This variant has not been reported in the literature in individuals with SPAG1-related disease. Algorithms developed to predict the effect of missense changes on protein structure and function are either unavailable or do not agree on the potential impact of this missense change (SIFT: "Tolerated"; PolyPhen-2: "Probably Damaging"; Align-GVGD: "Class C0"). In summary, the available evidence is currently insufficient to determine the role of this variant in disease. Therefore, it has been classified as a Variant of Uncertain Significance.

NM_003114.5(SPAG1):c.2189A>C (p.Glu730Ala)

Gene: SPAG1 (sperm associated antigen 1; plus strand). Cytogenetic location: 8q22.2.
Variant type: single nucleotide variant.
Coding change: c.2189A>C on transcript NM_003114.5 (MANE Select); coding-DNA position 2189, A replaced by C.
Protein change: p.Glu730Ala; replaces glutamic acid 730 with alanine.
Molecular consequence: missense variant.
Genome position (GRCh38, 1-based): chr8:100,239,313, A>C. VCF-style: chr8-100239313-A-C. GRCh37 (hg19) VCF-style: chr8-101251541-A-C.
Other names: c.2189A>C, p.Glu730Ala (NM_001374321.1, NM_172218.3); short protein forms E730A.
Identifiers: ClinVar variation 642756 (VCV000642756.2), dbSNP rs1479365252, ClinGen allele CA371817117.